The following is an entry in ClinVar:

NM_030958.3(SLCO5A1):c.846T>A (p.Tyr282Ter)

Gene: SLCO5A1 (solute carrier organic anion transporter family member 5A1; minus strand). Cytogenetic location: 8q13.3.
Variant type: single nucleotide variant.
Coding change: c.846T>A on transcript NM_030958.3 (MANE Select); coding-DNA position 846, T replaced by A.
Protein change: p.Tyr282Ter; replaces tyrosine 282 with a stop codon.
Molecular consequence: nonsense.
Genome position (GRCh38, 1-based): chr8:69,831,828, A>T on the plus strand (T>A on the coding strand, the complement: SLCO5A1 is on the minus strand). VCF-style: chr8-69831828-A-T. GRCh37 (hg19) VCF-style: chr8-70744063-A-T.
Other names: c.846T>A, p.Tyr282Ter (NM_001146008.2, NM_001146009.1); short protein forms Y282*.
Identifiers: ClinVar variation 2117384 (VCV002117384.4), dbSNP rs754652574, ClinGen allele CA371268734.
Genomic context (GRCh38, chr8:69,831,828, plus strand): 5'-TAGGTACAAGGAGGAGTTTTCTTTCTTGACATTGTCATCTAAGTAGGTTGGTCCCAGGGT[A>T]TAAATAGGTGTGGAGCCCATTCCAATGAGAATCTGCGCGCAAATGAATAAAGCCACGTAG-3'

ClinVar aggregate classification (germline): Uncertain significance (1 of 4 stars; one submission).

Submission:

Labcorp Genetics (formerly Invitae), Labcorp
Classification: Uncertain significance. Last evaluated: 2022-05-13. Review status: criteria provided, single submitter. Criteria: Invitae Variant Classification Sherloc (09022015). Collection method: clinical testing. Allele origin: germline.
Comment: In summary, the available evidence is currently insufficient to determine the role of this variant in disease. Therefore, it has been classified as a Variant of Uncertain Significance. This variant has not been reported in the literature in individuals affected with SLCO5A1-related conditions. This variant is not present in population databases (gnomAD no frequency). This sequence change creates a premature translational stop signal (p.Tyr282*) in the SLCO5A1 gene. It is expected to result in an absent or disrupted protein product. However, the current clinical and genetic evidence is not sufficient to establish whether loss-of-function variants in SLCO5A1 cause disease.